The following is an entry in ClinVar:

NM_016341.4(PLCE1):c.6377_6378del (p.Lys2126fs)

Genes: NOC3L (NOC3 like DNA replication regulator; minus strand), PLCE1 (phospholipase C epsilon 1; plus strand). Cytogenetic location: 10q23.33.
Variant type: Deletion.
Coding change: c.6377_6378del on transcript NM_016341.4 (MANE Select); coding-DNA positions 6377 to 6378, 2 bases deleted (AA; older notation c.6377_6378delAA).
Protein change: p.Lys2126fs; shifts the reading frame from lysine 2126.
Molecular consequence: frameshift variant.
Genome position (GRCh38, 1-based): chr10:94,321,935-94,321,936, AA deleted; deleting any 2 consecutive bases within chr10:94,321,934-94,321,936 gives the same sequence; the c. name uses the placement nearest the transcript's 3' end. VCF-style (leftmost placement, unchanged base first): chr10-94321933-CAA-C. GRCh37 (hg19) VCF-style: chr10-96081690-CAA-C.
Other names: c.5453_5454del, p.Lys1818fs (NM_001165979.2); c.6329_6330del, p.Lys2110fs (NM_001288989.2); short protein forms K1818fs, K2126fs, K2110fs.
Identifiers: ClinVar variation 631642 (VCV000631642.8), dbSNP rs773902333, ClinGen allele CA5613572.
Genomic context (GRCh38, chr10:94,321,933, plus strand): 5'-TACTCACATTTTTTCTTTTTAAACATAGAACCTAGAAGAGAAAAACATTGTTCAAGATGA[CAA>C]AGAGGTGATCTTGAGCTCAGAGGAGGAGAGTTTCTTTGTCCAAGTGCATGATGTTTCTCC-3'

ClinVar aggregate classification (germline): Pathogenic. Review status: criteria provided, multiple submitters, no conflicts (2 of 4 stars). 2 submissions from 2 submitters: Pathogenic (2). Last evaluated 2025-02-07.

Conditions:
Nephrotic syndrome, type 3 (NPHS3). Also called: NEPHROTIC SYNDROME, EARLY-ONSET, TYPE 3. Identifiers: Orphanet 656, MedGen C1853124, MONDO:0012546, OMIM 610725.

Submissions (2):

MVZ Medizinische Genetik Mainz
Classification: Pathogenic for Nephrotic syndrome, type 3. Last evaluated: 2025-02-07. Review status: criteria provided, single submitter. Criteria: UK Practice Guidelines For Variant Classification V4 01 2020. Collection method: clinical testing. Allele origin: germline. Inheritance: Autosomal recessive inheritance. Affected: yes. Observed: 1 variant allele.
Comment: ACMG Criteria: PVS1,PM3,PM2_SUP

Labcorp Genetics (formerly Invitae), Labcorp
Classification: Pathogenic. Last evaluated: 2024-07-26. Review status: criteria provided, single submitter. Criteria: Invitae Variant Classification Sherloc (09022015). Collection method: clinical testing. Allele origin: germline.
Comment: This sequence change creates a premature translational stop signal (p.Lys2126Argfs*17) in the PLCE1 gene. It is expected to result in an absent or disrupted protein product. Loss-of-function variants in PLCE1 are known to be pathogenic (PMID: 17086182, 20591883). This variant is present in population databases (rs773902333, gnomAD 0.004%). This premature translational stop signal has been observed in individual(s) with steroid-resistant nephrotic syndrome (SNRS) (PMID: 26668027). ClinVar contains an entry for this variant (Variation ID: 631642). For these reasons, this variant has been classified as Pathogenic.

Literature cited by the submitters: PubMed 17086182 (cited by Labcorp Genetics (formerly Invitae), Labcorp); PubMed 20591883 (cited by Labcorp Genetics (formerly Invitae), Labcorp); PubMed 26668027 (cited by Labcorp Genetics (formerly Invitae), Labcorp).